The following is an entry in ClinVar:

NM_006949.4(STXBP2):c.1724G>T (p.Arg575Leu)

Gene: STXBP2 (syntaxin binding protein 2; plus strand). Cytogenetic location: 19p13.2.
Variant type: single nucleotide variant.
Coding change: c.1724G>T on transcript NM_006949.4 (MANE Select); coding-DNA position 1724, G replaced by T.
Protein change: p.Arg575Leu; replaces arginine 575 with leucine.
Molecular consequence: missense variant. On other transcripts: non-coding transcript variant (1).
Genome position (GRCh38, 1-based): chr19:7,647,752, G>T. VCF-style: chr19-7647752-G-T. GRCh37 (hg19) VCF-style: chr19-7712638-G-T.
Other names: c.1715G>T, p.Arg572Leu (NM_001127396.3); c.1757G>T, p.Arg586Leu (NM_001272034.2); short protein forms R572L, R575L, R586L.
Identifiers: ClinVar variation 1005987 (VCV001005987.6), dbSNP rs751679761, ClinGen allele CA9144326.
Genomic context (GRCh38, chr19:7,647,752, plus strand): 5'-CAACATCTTCCCCAAACCTCTGCCCCTGCACAGGCTCCTCACACATCCTCACCCCGACCC[G>T]CTTCCTGGATGACCTGAAGGCACTGGACAAGAAGCTGGAGGACATTGCCCTGCCCTGACC-3'
Protein context (NP_008880.2, residues 565-585): IGSSHILTPT[Arg575Leu]FLDDLKALDK

ClinVar aggregate classification (germline): Uncertain significance (1 of 4 stars; one submission).

Conditions:
Familial hemophagocytic lymphohistiocytosis 5. Also called: STXBP2-Related Familial Hemophagocytic Lymphohistiocytosis (STXBP2-fHLH). Identifiers: Orphanet 540, MedGen C2751293, MONDO:0013135, OMIM 613101.

Allele frequency attached by ClinVar (database versions not stated): TOPMed 0.00002.
gnomAD v4.1: 7 of 1,613,718 alleles (0.00043%); highest among the groups gnomAD compares: African/African-American, 0.0013%; no homozygotes.

Submission:

Labcorp Genetics (formerly Invitae), Labcorp
Classification: Uncertain significance for Familial hemophagocytic lymphohistiocytosis 5. Last evaluated: 2022-07-18. Review status: criteria provided, single submitter. Criteria: Invitae Variant Classification Sherloc (09022015). Collection method: clinical testing. Allele origin: germline.
Comment: This sequence change replaces arginine, which is basic and polar, with leucine, which is neutral and non-polar, at codon 575 of the STXBP2 protein (p.Arg575Leu). The frequency data for this variant in the population databases is considered unreliable, as metrics indicate poor data quality at this position in the gnomAD database. This variant has not been reported in the literature in individuals affected with STXBP2-related conditions. ClinVar contains an entry for this variant (Variation ID: 1005987). Algorithms developed to predict the effect of missense changes on protein structure and function (SIFT, PolyPhen-2, Align-GVGD) all suggest that this variant is likely to be tolerated. In summary, the available evidence is currently insufficient to determine the role of this variant in disease. Therefore, it has been classified as a Variant of Uncertain Significance.